The following is an entry in ClinVar:

NM_002641.4(PIGA):c.716-2322C>T

Gene: PIGA (phosphatidylinositol glycan anchor biosynthesis class A; minus strand). Cytogenetic location: Xp22.2.
Variant type: single nucleotide variant.
Coding change: c.716-2322C>T on transcript NM_002641.4 (MANE Select); 2322 bases into the intron before coding-DNA position 716, C replaced by T.
Molecular consequence: intron variant.
Genome position (GRCh38, 1-based): chrX:15,328,368, G>A on the plus strand (C>T on the coding strand, the complement: PIGA is on the minus strand). VCF-style: chrX-15328368-G-A. GRCh37 (hg19) VCF-style: chrX-15346490-G-A.
Other names: c.14-2322C>T (NM_020473.3).
Identifiers: ClinVar variation 2660051 (VCV002660051.24), dbSNP rs866456711, ClinGen allele CA326944725.

ClinVar aggregate classification (germline): Likely benign (1 of 4 stars; one submission).

Allele frequency attached by ClinVar (database versions not stated): TOPMed 0.00022; gnomAD 0.00025.

Submission:

CeGaT Center for Human Genetics Tuebingen
Classification: Likely benign. Last evaluated: 2022-11-01. Review status: criteria provided, single submitter. Criteria: CeGaT Center For Human Genetics Tuebingen Variant Classification Criteria Version 2. Collection method: clinical testing. Allele origin: germline. Affected: yes. Observed: 1 variant allele.
Comment: PIGA: BS2